The following is an entry in ClinVar:

NM_001184.4(ATR):c.1643G>A (p.Arg548Lys)

Gene: ATR (ATR checkpoint kinase; minus strand). Cytogenetic location: 3q23.
Variant type: single nucleotide variant.
Coding change: c.1643G>A on transcript NM_001184.4 (MANE Select); coding-DNA position 1643, G replaced by A.
Protein change: p.Arg548Lys; replaces arginine 548 with lysine.
Molecular consequence: missense variant.
Genome position (GRCh38, 1-based): chr3:142,559,340, C>T on the plus strand (G>A on the coding strand, the complement: ATR is on the minus strand). VCF-style: chr3-142559340-C-T. GRCh37 (hg19) VCF-style: chr3-142278182-C-T.
Other names: c.1451G>A, p.Arg484Lys (NM_001354579.2); short protein forms R548K, R484K.
Identifiers: ClinVar variation 844751 (VCV000844751.12), dbSNP rs1374321250, ClinGen allele CA354822148.

ClinVar aggregate classification (germline): Uncertain significance. Review status: criteria provided, multiple submitters, no conflicts (2 of 4 stars). 4 submissions from 3 submitters: Uncertain significance (4). Last evaluated 2023-02-08.

Conditions:
Inborn genetic diseases. Identifiers: MedGen C0950123, MeSH D030342.
Familial cutaneous telangiectasia and oropharyngeal predisposition cancer syndrome. Identifiers: Orphanet 313846, MedGen C3281203, MONDO:0013806, OMIM 614564.
Seckel syndrome 1 (SCKL1). Also called: MICROCEPHALIC PRIMORDIAL DWARFISM I. Identifiers: Orphanet 808, MedGen C4551474, MONDO:0008869, OMIM 210600.

Allele frequency attached by ClinVar (database versions not stated): gnomAD 0.00001; TOPMed 0.00001.
gnomAD v4.1: 4 of 1,613,844 alleles (0.00025%); highest among the groups gnomAD compares: African/African-American, 0.0013%; no homozygotes.

Submissions (4):

Genome-Nilou Lab
Classification: Uncertain significance for Seckel syndrome 1. Last evaluated: 2023-02-08. Review status: criteria provided, single submitter. Criteria: ACMG Guidelines, 2015. Collection method: clinical testing. Allele origin: germline.

Genome-Nilou Lab
Classification: Uncertain significance for Familial cutaneous telangiectasia and oropharyngeal predisposition cancer syndrome. Last evaluated: 2023-02-08. Review status: criteria provided, single submitter. Criteria: ACMG Guidelines, 2015. Collection method: clinical testing. Allele origin: germline.

Ambry Genetics
Classification: Uncertain significance for Inborn genetic diseases. Last evaluated: 2021-08-15. Review status: criteria provided, single submitter. Criteria: Ambry Variant Classification Scheme 2023. Collection method: clinical testing. Allele origin: germline.
Comment: The p.R548K variant (also known as c.1643G>A), located in coding exon 7 of the ATR gene, results from a G to A substitution at nucleotide position 1643. The arginine at codon 548 is replaced by lysine, an amino acid with highly similar properties. This amino acid position is conserved. In addition, this alteration is predicted to be tolerated by in silico analysis. Since supporting evidence is limited at this time, the clinical significance of this alteration remains unclear.

Labcorp Genetics (formerly Invitae), Labcorp
Classification: Uncertain significance. Last evaluated: 2019-11-20. Review status: criteria provided, single submitter. Criteria: Invitae Variant Classification Sherloc (09022015). Collection method: clinical testing. Allele origin: germline.
Comment: In summary, the available evidence is currently insufficient to determine the role of this variant in disease. Therefore, it has been classified as a Variant of Uncertain Significance. Algorithms developed to predict the effect of missense changes on protein structure and function output the following: SIFT: "Tolerated"; PolyPhen-2: "Benign"; Align-GVGD: "Class C0". The lysine amino acid residue is found in multiple mammalian species, suggesting that this missense change does not adversely affect protein function. These predictions have not been confirmed by published functional studies and their clinical significance is uncertain. This variant has not been reported in the literature in individuals with ATR-related conditions. This variant is not present in population databases (ExAC no frequency). This sequence change replaces arginine with lysine at codon 548 of the ATR protein (p.Arg548Lys). The arginine residue is moderately conserved and there is a small physicochemical difference between arginine and lysine.